The following is an entry in ClinVar:

NM_006031.6(PCNT):c.2779T>C (p.Leu927=)

Gene: PCNT (pericentrin; plus strand). Cytogenetic location: 21q22.3.
Variant type: single nucleotide variant.
Coding change: c.2779T>C on transcript NM_006031.6 (MANE Select); coding-DNA position 2779, T replaced by C.
Protein change: p.Leu927=; no amino-acid change (leucine 927 retained).
Molecular consequence: synonymous variant.
Genome position (GRCh38, 1-based): chr21:46,366,753, T>C. VCF-style: chr21-46366753-T-C. GRCh37 (hg19) VCF-style: chr21-47786668-T-C.
Other names: c.2425T>C, p.Leu809= (NM_001315529.2); c.2779T>C (NM_006031.5).
Identifiers: ClinVar variation 1571258 (VCV001571258.10), dbSNP rs752161383, ClinGen allele CA10079092.

ClinVar aggregate classification (germline): Likely benign. Review status: criteria provided, single submitter (1 of 4 stars). 2 submissions from 2 submitters: Likely benign (1). 1 of the submissions does not count toward it. Last evaluated 2024-03-23.

Conditions:
PCNT-related disorder. Also called: PCNT-related condition.

Allele frequency attached by ClinVar (database versions not stated): gnomAD 0.00003.
gnomAD v4.1: 20 of 1,613,382 alleles (0.0012%); highest among the groups gnomAD compares: South Asian, 0.0033%; no homozygotes.

Submissions (2):

Labcorp Genetics (formerly Invitae), Labcorp
Classification: Likely benign. Last evaluated: 2024-03-23. Review status: criteria provided, single submitter. Criteria: Invitae Variant Classification Sherloc (09022015). Collection method: clinical testing. Allele origin: germline.

PreventionGenetics, part of Exact Sciences
Classification: Likely benign for PCNT-related condition. Last evaluated: 2021-12-09. Review status: no assertion criteria provided. Collection method: clinical testing. Allele origin: germline. Not counted in ClinVar's aggregate classification.
Comment: This variant is classified as likely benign based on ACMG/AMP sequence variant interpretation guidelines (Richards et al. 2015 PMID: 25741868, with internal and published modifications).